The following is an entry in ClinVar:

ClinVar aggregate classification (germline): Uncertain significance. Review status: criteria provided, single submitter (1 of 4 stars). 2 submissions from 2 submitters: Uncertain significance (1). 1 of the submissions does not count toward it. Last evaluated 2021-09-01.

Conditions:
Congenital hyperammonemia, type I. Also called: CPS I DEFICIENCY; Carbamoyl phosphate synthetase 1 deficiency; Hyperammonemia due to carbamoyl phosphate synthetase 1 deficiency; CPS 1 deficiency; Carbamyl phosphate synthetase (CPS) deficiency; Carbamoyl-phosphate synthase I deficiency. Identifiers: Orphanet 147, MedGen C4082171, MONDO:0009376, OMIM 237300.

Allele frequency attached by ClinVar (database versions not stated): TOPMed below 0.00001; gnomAD exomes 0.00001.
gnomAD v4.1: 19 of 1,613,032 alleles (0.0012%); highest among the groups gnomAD compares: Non-Finnish European, 0.0016%; no homozygotes.

Submissions (2):

Labcorp Genetics (formerly Invitae), Labcorp
Classification: Uncertain significance for Congenital hyperammonemia, type I. Last evaluated: 2021-09-01. Review status: criteria provided, single submitter. Criteria: Invitae Variant Classification Sherloc (09022015). Collection method: clinical testing. Allele origin: germline.
Comment: This sequence change replaces lysine with glutamic acid at codon 219 of the CPS1 protein (p.Lys219Glu). The lysine residue is moderately conserved and there is a small physicochemical difference between lysine and glutamic acid. This variant is not present in population databases (ExAC no frequency). This missense change has been observed in individual(s) with CPS1 deficiency (Invitae). In at least one individual the data is consistent with the variant being in trans (on the opposite chromosome) from a pathogenic variant. Algorithms developed to predict the effect of missense changes on protein structure and function are either unavailable or do not agree on the potential impact of this missense change (SIFT: "Deleterious"; PolyPhen-2: "Benign"; Align-GVGD: "Class C0"). In summary, the available evidence is currently insufficient to determine the role of this variant in disease. Therefore, it has been classified as a Variant of Uncertain Significance.

Natera, Inc.
Classification: Uncertain significance for Carbamoyl-phosphate synthase I deficiency. Last evaluated: 2020-10-05. Review status: no assertion criteria provided. Collection method: clinical testing. Allele origin: germline. Not counted in ClinVar's aggregate classification.

NM_001875.5(CPS1):c.655A>G (p.Lys219Glu)

Gene: CPS1 (carbamoyl-phosphate synthase 1; plus strand). Cytogenetic location: 2q34.
Variant type: single nucleotide variant.
Coding change: c.655A>G on transcript NM_001875.5 (MANE Select); coding-DNA position 655, A replaced by G.
Protein change: p.Lys219Glu; replaces lysine 219 with glutamic acid.
Molecular consequence: missense variant. On other transcripts: non-coding transcript variant (1).
Genome position (GRCh38, 1-based): chr2:210,588,091, A>G. VCF-style: chr2-210588091-A-G. GRCh37 (hg19) VCF-style: chr2-211452815-A-G.
Other names: c.655A>G, p.Lys219Glu (NM_001122633.3, NM_001369257.1); c.688A>G, p.Lys230Glu (NM_001369256.1); short protein forms K230E, K219E.
Identifiers: ClinVar variation 855723 (VCV000855723.9), dbSNP rs769324029, ClinGen allele CA64737647.